The following is an entry in ClinVar:

NM_015404.4(WHRN):c.1454C>T (p.Pro485Leu)

Gene: WHRN (whirlin; minus strand). Cytogenetic location: 9q32.
Variant type: single nucleotide variant.
Coding change: c.1454C>T on transcript NM_015404.4 (MANE Select); coding-DNA position 1454, C replaced by T.
Protein change: p.Pro485Leu; replaces proline 485 with leucine.
Molecular consequence: missense variant.
Genome position (GRCh38, 1-based): chr9:114,423,486, G>A on the plus strand (C>T on the coding strand, the complement: WHRN is on the minus strand). VCF-style: chr9-114423486-G-A. GRCh37 (hg19) VCF-style: chr9-117185766-G-A.
Other names: c.305C>T, p.Pro102Leu (NM_001083885.3); c.1454C>T, p.Pro485Leu (NM_001173425.2); c.401C>T, p.Pro134Leu (NM_001346890.1); short protein forms P485L, P134L, P102L.
Identifiers: ClinVar variation 45654 (VCV000045654.49), dbSNP rs79572315, ClinGen allele CA136881.

ClinVar aggregate classification (germline): Conflicting classifications of pathogenicity. Review status: criteria provided, conflicting classifications (1 of 4 stars). 9 submissions from 8 submitters: Uncertain significance (2); Benign (4); Likely benign (1). 2 of the submissions do not count toward it. Last evaluated 2026-04-01.

Conditions:
Usher syndrome type 2D. Also called: USHER SYNDROME, TYPE IID. Identifiers: Orphanet 231178, Orphanet 886, MedGen C1568249, MONDO:0012662, OMIM 611383.
Autosomal recessive nonsyndromic hearing loss 31. Also called: WHIRLER, MOUSE, HOMOLOG OF. Identifiers: Orphanet 90636, MedGen C1846839, MONDO:0011767, OMIM 607084.

Allele frequency attached by ClinVar (database versions not stated): TOPMed 0.00156; 1000 Genomes Project 0.00200; 1000 Genomes Project 30x 0.00203; ESP Exome Variant Server 0.00277; gnomAD exomes 0.00310 and 0.00370; ExAC 0.00339; gnomAD 0.00359 and 0.00364.
gnomAD v4.1: 5,066 of 1,612,330 alleles (0.31%); highest among the groups gnomAD compares: South Asian, 0.35%; 27 homozygotes.

Submissions (9):

CeGaT Center for Human Genetics Tuebingen
Classification: Likely benign. Last evaluated: 2026-04-01. Review status: criteria provided, single submitter. Criteria: CeGaT Center For Human Genetics Tuebingen Variant Classification Criteria Version 2. Collection method: clinical testing. Allele origin: germline. Affected: yes. Observed: 4 variant alleles.
Comment: WHRN: BS2

Labcorp Genetics (formerly Invitae), Labcorp
Classification: Benign. Last evaluated: 2026-01-26. Review status: criteria provided, single submitter. Criteria: Invitae Variant Classification Sherloc (09022015). Collection method: clinical testing. Allele origin: germline.

GeneDx
Classification: Benign. Last evaluated: 2019-05-21. Review status: criteria provided, single submitter. Criteria: GeneDx Variant Classification Process June 2021. Collection method: clinical testing. Allele origin: germline. Affected: yes.

Illumina Laboratory Services, Illumina
Classification: Uncertain significance for Usher syndrome type 2D. Last evaluated: 2018-01-13. Review status: criteria provided, single submitter. Criteria: ICSL Variant Classification Criteria 13 December 2019. Collection method: clinical testing. Allele origin: germline.

Illumina Laboratory Services, Illumina
Classification: Uncertain significance for Autosomal recessive nonsyndromic hearing loss 31. Last evaluated: 2018-01-13. Review status: criteria provided, single submitter. Criteria: ICSL Variant Classification Criteria 13 December 2019. Collection method: clinical testing. Allele origin: germline.

Eurofins Ntd Llc (ga)
Classification: Benign. Last evaluated: 2014-11-07. Review status: criteria provided, single submitter. Criteria: EGL Classification Definitions 2015. Collection method: clinical testing. Allele origin: germline. Observed: 1 variant allele, 1 heterozygote.

Laboratory for Molecular Medicine, Mass General Brigham Personalized Medicine
Classification: Benign. Last evaluated: 2011-03-31. Review status: criteria provided, single submitter. Criteria: LMM Criteria. Collection method: clinical testing. Allele origin: germline. Observed: 8 variant alleles.
Comment: Pro485Leu in exon 7 of DFNB31: This variant is not expected to have clinical sig nificance because it has been identified in 6/193 (3.1%) of Caucasian North Amer ican control chromosomes (rs79572315).

Clinical Genetics DNA and cytogenetics Diagnostics Lab, Erasmus MC, Erasmus Medical Center
Classification: Likely benign. Review status: no assertion criteria provided. Collection method: clinical testing. Allele origin: germline. Affected: yes. Study: VKGL Data-share Consensus. Not counted in ClinVar's aggregate classification.

Clinical Genetics, Academic Medical Center
Classification: Benign. Review status: no assertion criteria provided. Collection method: clinical testing. Allele origin: germline. Affected: yes. Study: VKGL Data-share Consensus. Not counted in ClinVar's aggregate classification.